The following is an entry in ClinVar:

NM_001387430.1(SH2B1):c.1898-210C>T

Gene: SH2B1 (SH2B adaptor protein 1; plus strand). Cytogenetic location: 16p11.2.
Variant type: single nucleotide variant.
Coding change: c.1898-210C>T on transcript NM_001387430.1 (MANE Select); 210 bases into the intron before coding-DNA position 1898, C replaced by T.
Molecular consequence: intron variant. On other transcripts: synonymous variant (4), missense variant (1).
Genome position (GRCh38, 1-based): chr16:28,873,237, C>T. VCF-style: chr16-28873237-C-T. GRCh37 (hg19) VCF-style: chr16-28884558-C-T.
Other names: c.1965C>T, p.Cys655= (NM_001145796.2, NM_001145812.2, NM_015503.3); c.2018C>T, p.Ala673Val (NM_001145797.2); c.957C>T, p.Cys319= (NM_001308294.2); c.1898-210C>T (NM_001308293.2, NM_001387404.1, NM_001145795.2); short protein forms A673V.
Identifiers: ClinVar variation 4994616 (VCV004994616.1).

ClinVar aggregate classification (germline): Uncertain significance (1 of 4 stars; one submission).

Conditions:
SH2B1-related disorder. Also called: SH2B1-related condition.

gnomAD v4.1: 3 of 1,606,866 alleles (0.00019%); highest among the groups gnomAD compares: East Asian, 0.0022%; no homozygotes.

Submission:

PreventionGenetics, part of Exact Sciences
Classification: Uncertain significance for SH2B1-related condition. Last evaluated: 2026-04-24. Review status: criteria provided, single submitter. Criteria: ACMG Guidelines, 2015. Collection method: clinical testing. Allele origin: germline.
Comment: The SH2B1 c.2018C>T variant is predicted to result in the amino acid substitution p.Ala673Val. To our knowledge, this variant has not been reported in the literature. This variant is reported in 0.00091% of alleles in individuals of European (Non-Finnish) descent in gnomAD. At this time, the clinical significance of this variant is uncertain due to the absence of conclusive functional and genetic evidence.